The following is an entry in ClinVar:

ClinVar aggregate classification (germline): Uncertain significance (1 of 4 stars; one submission).

gnomAD v4.1: 1 of 1,613,616 alleles (0.000062%); highest among the groups gnomAD compares: Non-Finnish European, 0.000085%; no homozygotes.

Submission:

Labcorp Genetics (formerly Invitae), Labcorp
Classification: Uncertain significance. Last evaluated: 2025-08-21. Review status: criteria provided, single submitter. Criteria: Invitae Variant Classification Sherloc (09022015). Collection method: clinical testing. Allele origin: germline.
Comment: This sequence change replaces leucine, which is neutral and non-polar, with phenylalanine, which is neutral and non-polar, at codon 525 of the TCP1 protein (p.Leu525Phe). This variant is not present in population databases (gnomAD no frequency). This variant has not been reported in the literature in individuals affected with TCP1-related conditions. An algorithm developed to predict the effect of missense changes on protein structure and function (PolyPhen-2) suggests that this variant is likely to be disruptive. In summary, the available evidence is currently insufficient to determine the role of this variant in disease. Therefore, it has been classified as a Variant of Uncertain Significance.

NM_030752.3(TCP1):c.1573C>T (p.Leu525Phe)

Gene: TCP1 (t-complex 1; minus strand). Cytogenetic location: 6q25.3.
Variant type: single nucleotide variant.
Coding change: c.1573C>T on transcript NM_030752.3 (MANE Select); coding-DNA position 1573, C replaced by T.
Protein change: p.Leu525Phe; replaces leucine 525 with phenylalanine.
Molecular consequence: missense variant.
Genome position (GRCh38, 1-based): chr6:159,779,143, G>A on the plus strand (C>T on the coding strand, the complement: TCP1 is on the minus strand). VCF-style: chr6-159779143-G-A. GRCh37 (hg19) VCF-style: chr6-160200175-G-A.
Other names: c.1108C>T, p.Leu370Phe (NM_001008897.2); short protein forms L370F, L525F.
Identifiers: ClinVar variation 4711677 (VCV004711677.1).